The following is an entry in ClinVar:

ClinVar aggregate classification (germline): Pathogenic (1 of 4 stars; one submission).

Submission:

GeneDx
Classification: Pathogenic. Last evaluated: 2025-02-27. Review status: criteria provided, single submitter. Criteria: GeneDx Variant Classification Process June 2021. Collection method: clinical testing. Allele origin: germline. Affected: yes.
Comment: Frameshift variant predicted to result in protein truncation or nonsense mediated decay in a gene for which loss of function is a known mechanism of disease; Not observed at significant frequency in large population cohorts (gnomAD); This variant is associated with the following publications: (PMID: 34440431)

NM_013275.6(ANKRD11):c.3295_3296del (p.Phe1099fs)

Gene: ANKRD11 (ankyrin repeat domain containing 11; minus strand). Cytogenetic location: 16q24.3.
Variant type: Deletion.
Coding change: c.3295_3296del on transcript NM_013275.6 (MANE Select); coding-DNA positions 3295 to 3296, 2 bases deleted (TT; older notation c.3295_3296delTT).
Protein change: p.Phe1099fs; shifts the reading frame from phenylalanine 1099.
Molecular consequence: frameshift variant.
Genome position (GRCh38, 1-based): chr16:89,283,246-89,283,247, AA deleted on the plus strand (TT on the coding strand, the reverse complement: ANKRD11 is on the minus strand). VCF-style (leftmost placement, unchanged base first): chr16-89283245-GAA-G. GRCh37 (hg19) VCF-style: chr16-89349653-GAA-G.
Other names: c.3295_3296del, p.Phe1099fs (NM_001256182.2, NM_001256183.2); short protein forms F1099fs.
Identifiers: ClinVar variation 4077187 (VCV004077187.1).